The following is an entry in ClinVar:

ClinVar aggregate classification (germline): Uncertain significance (1 of 4 stars; one submission).

Conditions:
Combined immunodeficiency due to DOCK8 deficiency (HIES2). Also called: HIES autosomal recessive; DOCK8 Deficiency; Hyper-IgE recurrent infection syndrome, autosomal recessive; HYPER-IgE RECURRENT INFECTION SYNDROME 2, AUTOSOMAL RECESSIVE; HYPER-IgE SYNDROME 2, AUTOSOMAL RECESSIVE, WITH RECURRENT INFECTIONS. Identifiers: Orphanet 217390, MedGen C4722305, MONDO:0009478, OMIM 243700.

Allele frequency attached by ClinVar (database versions not stated): gnomAD exomes below 0.00001.
gnomAD v4.1: 2 of 1,613,994 alleles (0.00012%); highest among the groups gnomAD compares: Non-Finnish European, 0.00017%; no homozygotes.

Submission:

Labcorp Genetics (formerly Invitae), Labcorp
Classification: Uncertain significance for Combined immunodeficiency due to DOCK8 deficiency. Last evaluated: 2019-10-16. Review status: criteria provided, single submitter. Criteria: Invitae Variant Classification Sherloc (09022015). Collection method: clinical testing. Allele origin: germline.
Comment: Algorithms developed to predict the effect of missense changes on protein structure and function output the following: SIFT: "Tolerated"; PolyPhen-2: "Benign"; Align-GVGD: "Class C0". The threonine amino acid residue is found in multiple mammalian species, suggesting that this missense change does not adversely affect protein function. These predictions have not been confirmed by published functional studies and their clinical significance is uncertain. In summary, the available evidence is currently insufficient to determine the role of this variant in disease. Therefore, it has been classified as a Variant of Uncertain Significance. This variant has not been reported in the literature in individuals with DOCK8-related conditions. This sequence change replaces serine with threonine at codon 470 of the DOCK8 protein (p.Ser470Thr). The serine residue is moderately conserved and there is a small physicochemical difference between serine and threonine. This variant is not present in population databases (ExAC no frequency).

NM_203447.4(DOCK8):c.1409G>C (p.Ser470Thr)

Gene: DOCK8 (dedicator of cytokinesis 8; plus strand). Cytogenetic location: 9p24.3.
Variant type: single nucleotide variant.
Coding change: c.1409G>C on transcript NM_203447.4 (MANE Select); coding-DNA position 1409, G replaced by C.
Protein change: p.Ser470Thr; replaces serine 470 with threonine.
Molecular consequence: missense variant.
Genome position (GRCh38, 1-based): chr9:336,705, G>C. VCF-style: chr9-336705-G-C. GRCh37 (hg19) VCF-style: chr9-336705-G-C.
Other names: c.1205G>C, p.Ser402Thr (NM_001190458.2, NM_001193536.2); short protein forms S402T, S470T.
Identifiers: ClinVar variation 958315 (VCV000958315.10), dbSNP rs2051328267, ClinGen allele CA372753524.